The following is an entry in ClinVar:

ClinVar aggregate classification (germline): Likely pathogenic. Review status: criteria provided, multiple submitters, no conflicts (2 of 4 stars). 2 submissions from 2 submitters: Likely pathogenic (2). Last evaluated 2025-12-16.

Conditions:
Hereditary cancer-predisposing syndrome. Also called: Neoplastic Syndromes, Hereditary; Tumor predisposition; Hereditary Cancer Syndrome; Hereditary neoplastic syndrome. Identifiers: Orphanet 140162, MedGen C0027672, MeSH D009386, MONDO:0015356.
Pheochromocytoma/paraganglioma syndrome 5. Also called: Paragangliomas 5; SDHA-Related Hereditary Paraganglioma-Pheochromocytoma Syndrome. Identifiers: Orphanet 29072, MedGen C3279992, MONDO:0013602, OMIM 614165.

Submissions (2):

Ambry Genetics
Classification: Likely pathogenic for Hereditary cancer-predisposing syndrome. Last evaluated: 2025-12-16. Review status: criteria provided, single submitter. Criteria: Ambry Variant Classification Scheme 2023. Collection method: clinical testing. Allele origin: germline.
Comment: The c.63+1G>A intronic variant results from a G to A substitution one nucleotide after coding exon 1 of the SDHA gene. This nucleotide position is highly conserved in available vertebrate species. This variant is considered to be rare based on population cohorts in the Genome Aggregation Database (gnomAD). In silico splice site analysis predicts that this alteration will weaken the native splice donor site and will result in the creation or strengthening of a novel splice donor site; however, direct evidence is insufficient (Ambry internal data). Alterations that disrupt the canonical splice site are expected to cause aberrant splicing, resulting in an abnormal protein or a transcript that is subject to nonsense-mediated mRNA decay. As such, this alteration is classified as likely pathogenic.

Myriad Genetics, Inc.
Classification: Likely pathogenic for Pheochromocytoma/paraganglioma syndrome 5. Last evaluated: 2025-06-04. Review status: criteria provided, single submitter. Criteria: Myriad Autosomal Dominant, Autosomal Recessive and X-Linked Classification Criteria (2023). Collection method: clinical testing. Allele origin: unknown.
Comment: This variant is considered likely pathogenic. This variant occurs within a consensus splice junction and is predicted to result in abnormal mRNA splicing of either an out-of-frame exon or an in-frame exon necessary for protein stability and/or normal function.

NM_004168.4(SDHA):c.63+1G>A

Gene: SDHA (succinate dehydrogenase complex flavoprotein subunit A; plus strand). Cytogenetic location: 5p15.33.
Variant type: single nucleotide variant.
Coding change: c.63+1G>A on transcript NM_004168.4 (MANE Select); the canonical splice donor site of the intron after coding-DNA position 63, G replaced by A.
Molecular consequence: splice donor variant.
Genome position (GRCh38, 1-based): chr5:218,419, G>A. VCF-style: chr5-218419-G-A. GRCh37 (hg19) VCF-style: chr5-218534-G-A.
Other names: c.63+1G>A (NM_001330758.2, NM_001294332.2).
Identifiers: ClinVar variation 2587086 (VCV002587086.4), dbSNP rs2126522851, ClinGen allele CA359007493.